The following is an entry in ClinVar:

NM_001611.5(ACP5):c.815G>A (p.Arg272His)

Gene: ACP5 (acid phosphatase 5, tartrate resistant; minus strand). Cytogenetic location: 19p13.2.
Variant type: single nucleotide variant.
Coding change: c.815G>A on transcript NM_001611.5 (MANE Select); coding-DNA position 815, G replaced by A.
Protein change: p.Arg272His; replaces arginine 272 with histidine.
Molecular consequence: missense variant.
Genome position (GRCh38, 1-based): chr19:11,575,173, C>T on the plus strand (G>A on the coding strand, the complement: ACP5 is on the minus strand). VCF-style: chr19-11575173-C-T. GRCh37 (hg19) VCF-style: chr19-11685988-C-T.
Other names: c.815G>A, p.Arg272His (NM_001111034.3, NM_001111035.3, NM_001111036.3 and 1 more transcripts); short protein forms R272H.
Identifiers: ClinVar variation 968501 (VCV000968501.6), dbSNP rs150107007, ClinGen allele CA9215312.

ClinVar aggregate classification (germline): Uncertain significance. Review status: criteria provided, multiple submitters, no conflicts (2 of 4 stars). 2 submissions from 2 submitters: Uncertain significance (2). Last evaluated 2026-06-29.

Conditions:
Spondyloenchondrodysplasia with immune dysregulation (SPENCDI). Also called: ROIFMAN IMMUNOSKELETAL SYNDROME; SPONDYLOENCHONDRODYSPLASIA WITH OR WITHOUT IMMUNE DYSREGULATION; COMBINED IMMUNODEFICIENCY WITH AUTOIMMUNITY AND SPONDYLOMETAPHYSEAL DYSPLASIA. Identifiers: Orphanet 1855, MedGen C1842763, MONDO:0011939, OMIM 607944.

Allele frequency attached by ClinVar (database versions not stated): gnomAD 0.00007 and 0.00009; TOPMed 0.00010; ESP Exome Variant Server 0.00015; gnomAD exomes 0.00017 and 0.00023; ExAC 0.00021.
gnomAD v4.1: 351 of 1,614,014 alleles (0.022%); highest among the groups gnomAD compares: Non-Finnish European, 0.028%; no homozygotes.

Submissions (2):

Women's Health and Genetics/Laboratory Corporation of America, LabCorp
Classification: Uncertain significance. Last evaluated: 2026-06-29. Review status: criteria provided, single submitter. Criteria: LabCorp Variant Classification Summary - May 2015. Collection method: clinical testing. Allele origin: germline.
Comment: Variant summary: ACP5 c.815G>A (p.Arg272His) results in a non-conservative amino acid change in the encoded protein sequence. Algorithms developed to predict the effect of missense changes on protein structure and function are either unavailable or do not agree on the potential impact of this missense change. The variant allele was found at a frequency of 0.00017 in 251096 control chromosomes. This frequency is not significantly higher than estimated for disease-causing variants in ACP5, allowing no conclusion about variant significance. c.815G>A has been observed in a heterozygous individual(s) affected with ACP5-related conditions (e.g. An_2017). These report(s) do not provide unequivocal conclusions about association of the variant with disease. One publication reports experimental evidence evaluating an impact on protein function, however, does not allow convincing conclusions about the variant effect (e.g. An_2017). The following publication has been ascertained in the context of this evaluation (PMID: 27390188). ClinVar contains an entry for this variant (Variation ID: 968501). Based on the evidence outlined above, the variant was classified as uncertain significance.

Labcorp Genetics (formerly Invitae), Labcorp
Classification: Uncertain significance for Spondyloenchondrodysplasia with immune dysregulation. Last evaluated: 2022-08-19. Review status: criteria provided, single submitter. Criteria: Invitae Variant Classification Sherloc (09022015). Collection method: clinical testing. Allele origin: germline.
Comment: This sequence change replaces arginine, which is basic and polar, with histidine, which is basic and polar, at codon 272 of the ACP5 protein (p.Arg272His). This variant is present in population databases (rs150107007, gnomAD 0.04%). This variant has not been reported in the literature in individuals affected with ACP5-related conditions. ClinVar contains an entry for this variant (Variation ID: 968501). Algorithms developed to predict the effect of missense changes on protein structure and function output the following: SIFT: "Not Available"; PolyPhen-2: "Benign"; Align-GVGD: "Not Available". The histidine amino acid residue is found in multiple mammalian species, which suggests that this missense change does not adversely affect protein function. Experimental studies have shown that this missense change does not substantially affect ACP5 function (PMID: 27390188). In summary, the available evidence is currently insufficient to determine the role of this variant in disease. Therefore, it has been classified as a Variant of Uncertain Significance.

Literature cited by the submitters: PubMed 27390188 (cited by Women's Health and Genetics/Laboratory Corporation of America, LabCorp and Labcorp Genetics (formerly Invitae), Labcorp).